The following is an entry in ClinVar:

ClinVar aggregate classification (germline): Uncertain significance (1 of 4 stars; one submission).

Conditions:
Epilepsy, familial adult myoclonic, 5 (EPEO5). Also called: CORTICAL MYOCLONIC TREMOR WITH EPILEPSY, FAMILIAL, 5. Identifiers: Orphanet 86814, MedGen C3809374, MONDO:0014167, OMIM 615400.

gnomAD v4.1: 5 of 1,613,920 alleles (0.00031%); highest among the groups gnomAD compares: Admixed American, 0.0017%; no homozygotes.

Submission:

Labcorp Genetics (formerly Invitae), Labcorp
Classification: Uncertain significance for Epilepsy, familial adult myoclonic, 5. Last evaluated: 2022-10-20. Review status: criteria provided, single submitter. Criteria: Invitae Variant Classification Sherloc (09022015). Collection method: clinical testing. Allele origin: germline.
Comment: This sequence change replaces threonine, which is neutral and polar, with isoleucine, which is neutral and non-polar, at codon 509 of the CNTN2 protein (p.Thr509Ile). This variant is not present in population databases (gnomAD no frequency). This variant has not been reported in the literature in individuals affected with CNTN2-related conditions. Advanced modeling of protein sequence and biophysical properties (such as structural, functional, and spatial information, amino acid conservation, physicochemical variation, residue mobility, and thermodynamic stability) performed at Invitae indicates that this missense variant is not expected to disrupt CNTN2 protein function. In summary, the available evidence is currently insufficient to determine the role of this variant in disease. Therefore, it has been classified as a Variant of Uncertain Significance.

NM_005076.5(CNTN2):c.1526C>T (p.Thr509Ile)

Gene: CNTN2 (contactin 2; plus strand). Cytogenetic location: 1q32.1.
Variant type: single nucleotide variant.
Coding change: c.1526C>T on transcript NM_005076.5 (MANE Select); coding-DNA position 1526, C replaced by T.
Protein change: p.Thr509Ile; replaces threonine 509 with isoleucine.
Molecular consequence: missense variant. On other transcripts: non-coding transcript variant (1).
Genome position (GRCh38, 1-based): chr1:205,065,093, C>T. VCF-style: chr1-205065093-C-T. GRCh37 (hg19) VCF-style: chr1-205034221-C-T.
Other names: c.1526C>T, p.Thr509Ile (NM_001346083.2); short protein forms T509I.
Identifiers: ClinVar variation 2030097 (VCV002030097.1), dbSNP rs2151194782, ClinGen allele CA344375292.